The following is an entry in ClinVar:

NM_031935.3(HMCN1):c.12590C>T (p.Thr4197Ile)

Gene: HMCN1 (hemicentin 1; plus strand). Cytogenetic location: 1q31.1.
Variant type: single nucleotide variant.
Coding change: c.12590C>T on transcript NM_031935.3 (MANE Select); coding-DNA position 12590, C replaced by T.
Protein change: p.Thr4197Ile; replaces threonine 4197 with isoleucine.
Molecular consequence: missense variant.
Genome position (GRCh38, 1-based): chr1:186,125,694, C>T. VCF-style: chr1-186125694-C-T. GRCh37 (hg19) VCF-style: chr1-186094826-C-T.
Other names: c.12590C>T (NM_031935.2); short protein forms T4197I.
Identifiers: ClinVar variation 2074901 (VCV002074901.5), dbSNP rs767846231, ClinGen allele CA1294404.

ClinVar aggregate classification (germline): Uncertain significance. Review status: criteria provided, multiple submitters, no conflicts (2 of 4 stars). 2 submissions from 2 submitters: Uncertain significance (2). Last evaluated 2024-11-25.

Allele frequency attached by ClinVar (database versions not stated): ExAC 0.00004; TOPMed 0.00002; gnomAD exomes below 0.00001.
gnomAD v4.1: 6 of 1,613,084 alleles (0.00037%); highest among the groups gnomAD compares: Admixed American, 0.0067%; no homozygotes.

Submissions (2):

Ambry Genetics
Classification: Uncertain significance. Last evaluated: 2024-11-25. Review status: criteria provided, single submitter. Criteria: Ambry Variant Classification Scheme 2023. Collection method: clinical testing. Allele origin: germline.

Labcorp Genetics (formerly Invitae), Labcorp
Classification: Uncertain significance. Last evaluated: 2022-04-10. Review status: criteria provided, single submitter. Criteria: Invitae Variant Classification Sherloc (09022015). Collection method: clinical testing. Allele origin: germline.
Comment: In summary, the available evidence is currently insufficient to determine the role of this variant in disease. Therefore, it has been classified as a Variant of Uncertain Significance. Algorithms developed to predict the effect of missense changes on protein structure and function are either unavailable or do not agree on the potential impact of this missense change (SIFT: "Deleterious"; PolyPhen-2: "Benign"; Align-GVGD: "Class C25"). This variant has not been reported in the literature in individuals affected with HMCN1-related conditions. This variant is present in population databases (rs767846231, gnomAD 0.01%). This sequence change replaces threonine, which is neutral and polar, with isoleucine, which is neutral and non-polar, at codon 4197 of the HMCN1 protein (p.Thr4197Ile).